The following is an entry in ClinVar:

NM_017636.4(TRPM4):c.3151C>T (p.Gln1051Ter)

Gene: TRPM4 (transient receptor potential cation channel subfamily M member 4; plus strand). Cytogenetic location: 19q13.33.
Variant type: single nucleotide variant.
Coding change: c.3151C>T on transcript NM_017636.4 (MANE Select); coding-DNA position 3151, C replaced by T.
Protein change: p.Gln1051Ter; replaces glutamine 1051 with a stop codon.
Molecular consequence: nonsense.
Genome position (GRCh38, 1-based): chr19:49,210,228, C>T. VCF-style: chr19-49210228-C-T. GRCh37 (hg19) VCF-style: chr19-49713485-C-T.
Other names: c.2716C>T, p.Gln906Ter (NM_001195227.2); c.2806C>T, p.Gln936Ter (NM_001321281.2); c.1543C>T, p.Gln515Ter (NM_001321282.2); c.2629C>T, p.Gln877Ter (NM_001321283.2); c.2089C>T, p.Gln697Ter (NM_001321285.2); short protein forms Q877*, Q515*, Q936*, Q697*, Q906*, Q1051*.
Identifiers: ClinVar variation 2194755 (VCV002194755.4), dbSNP rs375660294, ClinGen allele CA9569799.

ClinVar aggregate classification (germline): Uncertain significance (1 of 4 stars; one submission).

Conditions:
Progressive familial heart block type IB (PFHB1B). Identifiers: Orphanet 871, MedGen C1970298, MONDO:0011474, OMIM 604559.

Allele frequency attached by ClinVar (database versions not stated): gnomAD 0.00001; gnomAD exomes 0.00001; TOPMed 0.00001; ExAC 0.00002; ESP Exome Variant Server 0.00008.
gnomAD v4.1: 9 of 1,614,134 alleles (0.00056%); highest among the groups gnomAD compares: Non-Finnish European, 0.00076%; no homozygotes.

Submission:

Labcorp Genetics (formerly Invitae), Labcorp
Classification: Uncertain significance for Progressive familial heart block type IB. Last evaluated: 2025-07-14. Review status: criteria provided, single submitter. Criteria: Invitae Variant Classification Sherloc (09022015). Collection method: clinical testing. Allele origin: germline.
Comment: This sequence change creates a premature translational stop signal (p.Gln1051*) in the TRPM4 gene. It is expected to result in an absent or disrupted protein product. However, the current clinical and genetic evidence is not sufficient to establish whether loss-of-function variants in TRPM4 cause disease. This variant is present in population databases (rs375660294, gnomAD 0.0009%). This variant has not been reported in the literature in individuals affected with TRPM4-related conditions. ClinVar contains an entry for this variant (Variation ID: 2194755). Algorithms developed to predict the effect of sequence changes on RNA splicing suggest that this variant may disrupt the consensus splice site. In summary, the available evidence is currently insufficient to determine the role of this variant in disease. Therefore, it has been classified as a Variant of Uncertain Significance.